The following is an entry in ClinVar:

NM_001127644.2(GABRA1):c.1207G>C (p.Glu403Gln)

Gene: GABRA1 (gamma-aminobutyric acid type A receptor subunit alpha1; plus strand). Cytogenetic location: 5q34.
Variant type: single nucleotide variant.
Coding change: c.1207G>C on transcript NM_001127644.2 (MANE Select); coding-DNA position 1207, G replaced by C.
Protein change: p.Glu403Gln; replaces glutamic acid 403 with glutamine.
Molecular consequence: missense variant.
Genome position (GRCh38, 1-based): chr5:161,897,258, G>C. VCF-style: chr5-161897258-G-C. GRCh37 (hg19) VCF-style: chr5-161324264-G-C.
Other names: c.1207G>C, p.Glu403Gln (NM_000806.5, NM_001127643.2, NM_001127645.2 and 1 more transcripts); short protein forms E403Q.
Identifiers: ClinVar variation 424394 (VCV000424394.16), dbSNP rs775157869, ClinGen allele CA3544595.
Genomic context (GRCh38, chr5:161,897,258, plus strand): 5'-GACCCGGGCTTAGCCACCATTGCTAAAAGTGCAACCATAGAACCTAAAGAGGTCAAGCCC[G>C]AAACAAAACCACCAGAACCCAAGAAAACCTTTAACAGTGTCAGCAAAATTGACCGACTGT-3'
Protein context (NP_001121116.1, residues 393-413): ATIEPKEVKP[Glu403Gln]TKPPEPKKTF

ClinVar aggregate classification (germline): Uncertain significance. Review status: criteria provided, multiple submitters, no conflicts (2 of 4 stars). 4 submissions from 3 submitters: Uncertain significance (3). 1 of the submissions does not count toward it. Last evaluated 2020-08-05.

Conditions:
Marfanoid habitus and intellectual disability. Identifiers: MedGen CN263130.
Epilepsy, idiopathic generalized, susceptibility to, 13. Also called: EPILEPSY, JUVENILE MYOCLONIC, SUSCEPTIBILITY TO, 5. Identifiers: Orphanet 307, Orphanet 64280, MedGen C4013473, MONDO:0012627, OMIM 611136.
Epilepsy, childhood absence 4 (ECA4). Also called: EPILEPSY, CHILDHOOD ABSENCE, SUSCEPTIBILITY TO, 4. Identifiers: Orphanet 307, MedGen C1970160.
Idiopathic generalized epilepsy. Also called: Generalised epilepsy; EIG. Identifiers: MedGen C0270850, MONDO:0005579, OMIM 600669.
Developmental and epileptic encephalopathy, 19 (DEE19). Also called: Epileptic encephalopathy, early infantile, 19. Identifiers: Orphanet 33069, MedGen C3810400, MONDO:0014328, OMIM 615744.

gnomAD v4.1: 5 of 1,614,098 alleles (0.00031%); highest among the groups gnomAD compares: Middle Eastern, 0.016%; no homozygotes.

Submissions (4):

GeneDx
Classification: Uncertain significance. Last evaluated: 2020-08-05. Review status: criteria provided, single submitter. Criteria: GeneDx Variant Classification Process June 2021. Collection method: clinical testing. Allele origin: germline. Affected: yes.
Comment: Not observed at a significant frequency in large population cohorts (Lek et al., 2016); Missense variants in this gene are often considered pathogenic (Stenson et al., 2014); In silico analysis supports that this missense variant does not alter protein structure/function; Has not been previously published as pathogenic or benign to our knowledge; This variant is associated with the following publications: (PMID: 32277047)

Labcorp Genetics (formerly Invitae), Labcorp
Classification: Uncertain significance for Epilepsy, childhood absence 4; Epilepsy, idiopathic generalized, susceptibility to, 13; Idiopathic generalized epilepsy. Last evaluated: 2019-09-15. Review status: criteria provided, single submitter. Criteria: Invitae Variant Classification Sherloc (09022015). Collection method: clinical testing. Allele origin: germline.
Comment: In summary, the available evidence is currently insufficient to determine the role of this variant in disease. Therefore, it has been classified as a Variant of Uncertain Significance. Algorithms developed to predict the effect of missense changes on protein structure and function (SIFT, PolyPhen-2, Align-GVGD) all suggest that this variant is likely to be tolerated, but these predictions have not been confirmed by published functional studies and their clinical significance is uncertain. This variant has not been reported in the literature in individuals with GABRA1-related conditions. ClinVar contains an entry for this variant (Variation ID: 424394). This variant is present in population databases (rs775157869, ExAC 0.001%). This sequence change replaces glutamic acid with glutamine at codon 403 of the GABRA1 protein (p.Glu403Gln). The glutamic acid residue is moderately conserved and there is a small physicochemical difference between glutamic acid and glutamine.

Equipe Genetique des Anomalies du Developpement, Université de Bourgogne
Classification: Uncertain significance for Marfanoid habitus and intellectual disability. Review status: criteria provided, single submitter. Criteria: ACMG Guidelines, 2015. Collection method: research. Allele origin: de novo. Affected: yes.

Equipe Genetique des Anomalies du Developpement, Université de Bourgogne
Classification: Likely pathogenic for Developmental and epileptic encephalopathy, 19. Last evaluated: 2015-01-01. Review status: flagged submission. Criteria: ACMG Guidelines, 2007. Collection method: clinical testing. Allele origin: de novo. Affected: yes. Not counted in ClinVar's aggregate classification.
ClinVar note: Reason: Claim with insufficient supporting evidence